The following is an entry in ClinVar:

ClinVar aggregate classification (germline): Conflicting classifications of pathogenicity. Review status: criteria provided, conflicting classifications (1 of 4 stars). 9 submissions from 9 submitters: Uncertain significance (7); Likely benign (2). Last evaluated 2026-07-08.

Conditions:
Intellectual disability, autosomal dominant 16 (CSS4). Also called: COFFIN-SIRIS SYNDROME 4. Identifiers: Orphanet 1465, MedGen C3553249, MONDO:0013821, OMIM 614609.
Rhabdoid tumor predisposition syndrome 2 (RTPS2). Identifiers: Orphanet 231108, Orphanet 69077, MedGen C2750074, MONDO:0013224, OMIM 613325.
Hereditary cancer-predisposing syndrome. Also called: Neoplastic Syndromes, Hereditary; Tumor predisposition; Hereditary Cancer Syndrome; Hereditary neoplastic syndrome. Identifiers: Orphanet 140162, MedGen C0027672, MeSH D009386, MONDO:0015356.

Allele frequency attached by ClinVar (database versions not stated): TOPMed 0.00005; ExAC 0.00004; gnomAD 0.00004; gnomAD exomes 0.00007.
gnomAD v4.1: 59 of 779,648 alleles (0.0076%); highest among the groups gnomAD compares: Middle Eastern, 0.045%; no homozygotes.

Submissions (9):

Myriad Genetics, Inc.
Classification: Likely benign for Rhabdoid tumor predisposition syndrome 2. Last evaluated: 2026-07-08. Review status: criteria provided, single submitter. Criteria: Myriad Autosomal Dominant, Autosomal Recessive and X-Linked Classification Criteria (2023). Collection method: clinical testing. Allele origin: unknown.
Comment: This variant is considered likely benign. This variant has been observed at a population frequency that is significantly greater than expected given the associated disease prevalence and penetrance.

Dasa
Classification: Uncertain significance. Last evaluated: 2026-04-05. Review status: criteria provided, single submitter. Criteria: DASA Assertion Criteria. Collection method: clinical testing. Allele origin: germline.
Comment: NM_003072.5(SMARCA4):c.3830C>T (p.Pro1277Leu) is a missense variant that results in the substitution of proline with leucine. This variant is rare in population databases. The currently available literature and clinical evidence are not sufficient to establish a definitive association between this variant and the reported condition. Therefore, this variant is classified as a variant of uncertain significance.

Labcorp Genetics (formerly Invitae), Labcorp
Classification: Uncertain significance for Rhabdoid tumor predisposition syndrome 2. Last evaluated: 2026-01-31. Review status: criteria provided, single submitter. Criteria: Invitae Variant Classification Sherloc (09022015). Collection method: clinical testing. Allele origin: germline.
Comment: This sequence change replaces proline, which is neutral and non-polar, with leucine, which is neutral and non-polar, at codon 1277 of the SMARCA4 protein (p.Pro1277Leu). This variant is present in population databases (rs746219091, gnomAD 0.01%). This missense change has been observed in individual(s) with congenital heart disease and/or neurodevelopment disorders (PMID: 27760138, 37500730). ClinVar contains an entry for this variant (Variation ID: 212253). An algorithm developed to predict the effect of missense changes on protein structure and function (PolyPhen-2) suggests that this variant is likely to be tolerated. In summary, the available evidence is currently insufficient to determine the role of this variant in disease. Therefore, it has been classified as a Variant of Uncertain Significance.

GeneDx
Classification: Uncertain significance. Last evaluated: 2024-05-28. Review status: criteria provided, single submitter. Criteria: GeneDx Variant Classification Process June 2021. Collection method: clinical testing. Allele origin: germline. Affected: yes.
Comment: Observed with a second SMARCA4 variant on the opposite allele (in trans) in an individual with a congenital heart defect (PMID: 27760138); Observed in an individual with serrated polyposis (PMID: 37396538); In silico analysis indicates that this missense variant does not alter protein structure/function; This variant is associated with the following publications: (PMID: 27760138, 37396538)

Baylor Genetics
Classification: Uncertain significance for Rhabdoid tumor predisposition syndrome 2. Last evaluated: 2024-03-21. Review status: criteria provided, single submitter. Criteria: ACMG Guidelines, 2015. Collection method: clinical testing. Allele origin: unknown.

Genome-Nilou Lab
Classification: Uncertain significance for Intellectual disability, autosomal dominant 16. Last evaluated: 2021-07-15. Review status: criteria provided, single submitter. Criteria: ACMG Guidelines, 2015. Collection method: clinical testing. Allele origin: germline. Affected: no.

Ambry Genetics
Classification: Likely benign for Hereditary cancer-predisposing syndrome. Last evaluated: 2021-05-05. Review status: criteria provided, single submitter. Criteria: Ambry Variant Classification Scheme 2023. Collection method: clinical testing. Allele origin: germline.

Fulgent Genetics
Classification: Uncertain significance for Rhabdoid tumor predisposition syndrome 2; Intellectual disability, autosomal dominant 16. Last evaluated: 2018-10-31. Review status: criteria provided, single submitter. Criteria: ACMG Guidelines, 2015. Collection method: clinical testing. Allele origin: unknown.

Genetic Services Laboratory, University of Chicago
Classification: Uncertain significance. Last evaluated: 2014-08-22. Review status: criteria provided, single submitter. Criteria: ACMG Guidelines, 2015. Collection method: clinical testing. Allele origin: germline.

Literature cited by the submitters: PubMed 27760138 (cited by Labcorp Genetics (formerly Invitae), Labcorp); PubMed 37500730 (cited by Labcorp Genetics (formerly Invitae), Labcorp).

NM_003072.5(SMARCA4):c.3830C>T (p.Pro1277Leu)

Gene: SMARCA4 (SWI/SNF related BAF chromatin remodeling complex subunit ATPase 4; plus strand). Cytogenetic location: 19p13.2.
Variant type: single nucleotide variant.
Coding change: c.3830C>T on transcript NM_003072.5 (MANE Select); coding-DNA position 3830, C replaced by T.
Protein change: p.Pro1277Leu; replaces proline 1277 with leucine.
Molecular consequence: missense variant. On other transcripts: intron variant (5).
Genome position (GRCh38, 1-based): chr19:11,033,822, C>T. VCF-style: chr19-11033822-C-T. GRCh37 (hg19) VCF-style: chr19-11144498-C-T.
Other names: c.3830C>T, p.Pro1277Leu (NM_001128844.3, NM_001128849.3, NM_001387283.1); c.3775-301C>T (NM_001128847.4, NM_001374457.1, NM_001128845.2 and 2 more transcripts); short protein forms P1277L.
Identifiers: ClinVar variation 212253 (VCV000212253.31), dbSNP rs746219091, ClinGen allele CA205148.